The following is an entry in ClinVar:

ClinVar aggregate classification (germline): Uncertain significance. Review status: criteria provided, multiple submitters, no conflicts (2 of 4 stars). 7 submissions from 6 submitters: Uncertain significance (6). 1 of the submissions does not count toward it. Last evaluated 2025-10-01.

Conditions:
Monogenic hearing loss.
Usher syndrome type 2A. Also called: RETINAL DISEASE IN USHER SYNDROME TYPE IIA, MODIFIER OF; USHER SYNDROME, TYPE IIA. Identifiers: Orphanet 231178, Orphanet 886, MedGen C1848634, MONDO:0010169, OMIM 276901.
Retinitis pigmentosa 39 (RP39). Identifiers: Orphanet 791, MedGen C3151138, MONDO:0013436, OMIM 613809.

Allele frequency attached by ClinVar (database versions not stated): gnomAD 0.00001; gnomAD exomes 0.00001 and 0.00003; TOPMed 0.00001; ExAC 0.00002.
gnomAD v4.1: 24 of 1,613,608 alleles (0.0015%); highest among the groups gnomAD compares: Middle Eastern, 0.033%; no homozygotes.

Submissions (7):

Genetics Laboratory, Great Ormond Street Hospital NHS Foundation Trust, North Thames Genomic Laboratory Hub
Classification: Uncertain significance for Monogenic hearing loss. Last evaluated: 2025-10-01. Review status: criteria provided, single submitter. Criteria: ACGS Best Practice Guidelines for Variant Classification in Rare Disease 2024 v1.2. Collection method: clinical testing. Allele origin: germline. Affected: yes.
Comment: PM2_moderate, PP3_supporting, PM3_supporting

Labcorp Genetics (formerly Invitae), Labcorp
Classification: Uncertain significance. Last evaluated: 2025-08-20. Review status: criteria provided, single submitter. Criteria: Invitae Variant Classification Sherloc (09022015). Collection method: clinical testing. Allele origin: germline.
Comment: This sequence change replaces arginine, which is basic and polar, with cysteine, which is neutral and slightly polar, at codon 4972 of the USH2A protein (p.Arg4972Cys). This variant is present in population databases (rs766759858, gnomAD 0.01%). This missense change has been observed in individuals with retinitis pigmentosa (PMID: 24938718; internal data). ClinVar contains an entry for this variant (Variation ID: 552512). Invitae Evidence Modeling of protein sequence and biophysical properties (such as structural, functional, and spatial information, amino acid conservation, physicochemical variation, residue mobility, and thermodynamic stability) has been performed for this missense variant. However, the output from this modeling did not meet the statistical confidence thresholds required to predict the impact of this variant on USH2A protein function. In summary, the available evidence is currently insufficient to determine the role of this variant in disease. Therefore, it has been classified as a Variant of Uncertain Significance.

Genome-Nilou Lab
Classification: Uncertain significance for Retinitis pigmentosa 39. Last evaluated: 2023-11-04. Review status: criteria provided, single submitter. Criteria: ACMG Guidelines, 2015. Collection method: clinical testing. Allele origin: germline. Affected: no.

Genome-Nilou Lab
Classification: Uncertain significance for Usher syndrome type 2A. Last evaluated: 2023-11-04. Review status: criteria provided, single submitter. Criteria: ACMG Guidelines, 2015. Collection method: clinical testing. Allele origin: germline. Affected: no.

Blueprint Genetics
Classification: Uncertain significance. Last evaluated: 2022-02-17. Review status: criteria provided, single submitter. Criteria: ACMG Guidelines, 2015. Collection method: clinical testing. Allele origin: germline.

Fulgent Genetics
Classification: Uncertain significance for Usher syndrome type 2A; Retinitis pigmentosa 39. Last evaluated: 2018-10-31. Review status: criteria provided, single submitter. Criteria: ACMG Guidelines, 2015. Collection method: clinical testing. Allele origin: unknown.

Counsyl
Classification: Uncertain significance for Usher syndrome type 2A; Retinitis pigmentosa 39. Last evaluated: 2017-06-20. Review status: no assertion criteria provided. Collection method: clinical testing. Allele origin: unknown. Not counted in ClinVar's aggregate classification.

Literature cited by the submitters: PubMed 24938718 (cited by Labcorp Genetics (formerly Invitae), Labcorp and Counsyl).

NM_206933.4(USH2A):c.14914C>T (p.Arg4972Cys)

Gene: USH2A (usherin; minus strand). Cytogenetic location: 1q41.
Variant type: single nucleotide variant.
Coding change: c.14914C>T on transcript NM_206933.4 (MANE Select); coding-DNA position 14914, C replaced by T.
Protein change: p.Arg4972Cys; replaces arginine 4972 with cysteine.
Molecular consequence: missense variant.
Genome position (GRCh38, 1-based): chr1:215,640,612, G>A on the plus strand (C>T on the coding strand, the complement: USH2A is on the minus strand). VCF-style: chr1-215640612-G-A. GRCh37 (hg19) VCF-style: chr1-215813954-G-A.
Other names: short protein forms R4972C.
Identifiers: ClinVar variation 552512 (VCV000552512.11), dbSNP rs766759858, ClinGen allele CA1392889.